The following is an entry in ClinVar:

NM_001365480.1(CCDC88A):c.5309C>T (p.Ala1770Val)

Gene: CCDC88A (coiled-coil domain containing 88A; minus strand). Cytogenetic location: 2p16.1.
Variant type: single nucleotide variant.
Coding change: c.5309C>T on transcript NM_001365480.1 (MANE Select); coding-DNA position 5309, C replaced by T.
Protein change: p.Ala1770Val; replaces alanine 1770 with valine.
Molecular consequence: missense variant. On other transcripts: intron variant (1).
Genome position (GRCh38, 1-based): chr2:55,295,839, G>A on the plus strand (C>T on the coding strand, the complement: CCDC88A is on the minus strand). VCF-style: chr2-55295839-G-A. GRCh37 (hg19) VCF-style: chr2-55522975-G-A.
Other names: c.5306C>T, p.Ala1769Val (NM_001135597.2); c.5225C>T, p.Ala1742Val (NM_018084.5); c.5195+111C>T (NM_001254943.2); c.5306C>T (NM_001135597.1); short protein forms A1769V, A1742V, A1770V.
Identifiers: ClinVar variation 1349500 (VCV001349500.5), dbSNP rs368195213, ClinGen allele CA1665345.

ClinVar aggregate classification (germline): Uncertain significance. Review status: criteria provided, multiple submitters, no conflicts (2 of 4 stars). 2 submissions from 2 submitters: Uncertain significance (2). Last evaluated 2024-10-16.

Allele frequency attached by ClinVar (database versions not stated): ExAC 0.00004; gnomAD 0.00005 and 0.00006; gnomAD exomes 0.00005; TOPMed 0.00006; ESP Exome Variant Server 0.00008.
gnomAD v4.1: 61 of 1,613,828 alleles (0.0038%); highest among the groups gnomAD compares: African/African-American, 0.0067%; no homozygotes.

Submissions (2):

Labcorp Genetics (formerly Invitae), Labcorp
Classification: Uncertain significance. Last evaluated: 2024-10-16. Review status: criteria provided, single submitter. Criteria: Invitae Variant Classification Sherloc (09022015). Collection method: clinical testing. Allele origin: germline.
Comment: This sequence change replaces alanine, which is neutral and non-polar, with valine, which is neutral and non-polar, at codon 1769 of the CCDC88A protein (p.Ala1769Val). This variant is present in population databases (rs368195213, gnomAD 0.02%). This variant has not been reported in the literature in individuals affected with CCDC88A-related conditions. ClinVar contains an entry for this variant (Variation ID: 1349500). An algorithm developed to predict the effect of missense changes on protein structure and function (PolyPhen-2) suggests that this variant¬†is likely to be tolerated. In summary, the available evidence is currently insufficient to determine the role of this variant in disease. Therefore, it has been classified as a Variant of Uncertain Significance.

Ambry Genetics
Classification: Uncertain significance. Last evaluated: 2024-03-04. Review status: criteria provided, single submitter. Criteria: Ambry Variant Classification Scheme 2023. Collection method: clinical testing. Allele origin: germline.